The following is an entry in ClinVar:

ClinVar aggregate classification (germline): Likely benign (0 of 4 stars; one submission).

Conditions:
CAMK2G-related disorder. Also called: CAMK2G-related condition.

Allele frequency attached by ClinVar (database versions not stated): ESP Exome Variant Server 0.00015; TOPMed 0.00016; gnomAD 0.00017; ExAC 0.00018.
gnomAD v4.1: 609 of 1,614,190 alleles (0.038%); highest among the groups gnomAD compares: Non-Finnish European, 0.049%; no homozygotes.

Submission:

PreventionGenetics, part of Exact Sciences
Classification: Likely benign for CAMK2G-related condition. Last evaluated: 2020-02-14. Review status: no assertion criteria provided. Collection method: clinical testing. Allele origin: germline.
Comment: This variant is classified as likely benign based on ACMG/AMP sequence variant interpretation guidelines (Richards et al. 2015 PMID: 25741868, with internal and published modifications).

NM_001367534.1(CAMK2G):c.810G>A (p.Pro270=)

Gene: CAMK2G (calcium/calmodulin dependent protein kinase II gamma; minus strand). Cytogenetic location: 10q22.2.
Variant type: single nucleotide variant.
Coding change: c.810G>A on transcript NM_001367534.1 (MANE Select); coding-DNA position 810, G replaced by A.
Protein change: p.Pro270=; no amino-acid change (proline 270 retained).
Molecular consequence: synonymous variant. On other transcripts: non-coding transcript variant (8).
Genome position (GRCh38, 1-based): chr10:73,847,234, C>T on the plus strand (G>A on the coding strand, the complement: CAMK2G is on the minus strand). VCF-style: chr10-73847234-C-T. GRCh37 (hg19) VCF-style: chr10-75606992-C-T.
Other names: c.810G>A, p.Pro270= (NM_001204492.2, NM_001222.4, NM_001320898.2 and 28 more transcripts); c.786G>A, p.Pro262= (NM_001367514.1, NM_001367525.1, NM_001367532.1); c.564G>A, p.Pro188= (NM_001367524.1, NM_001367539.1); c.498G>A, p.Pro166= (NM_001367537.1, NM_001367538.1); c.144G>A, p.Pro48= (NM_001367540.1); c.57G>A, p.Pro19= (NM_001367542.1).
Identifiers: ClinVar variation 3052207 (VCV003052207.2), dbSNP rs200186779, ClinGen allele CA5561954.
Genomic context (GRCh38, chr10:73,847,234, plus strand): 5'-CACAGAAGGCTGACACCCCTGAGCTCCTTGGCCACTAGCAAAGACACTTACACAGACCCA[C>T]GGGTGCTTGAGAGCCTGGTCAGCCGTGATGCGCTTTGCTGGGTTTATGGTCAGCATCTGG-3'
Protein context (NP_001354463.1, residues 260-280): RITADQALKH[Pro270=]WVCQRSTVAS